The following is an entry in ClinVar:

NM_001904.4(CTNNB1):c.1461T>C (p.Leu487=)

Genes: CTNNB1 (catenin beta 1; plus strand), LOC126806659 (BRD4-independent group 4 enhancer GRCh37_chr3:41274918-41276117; plus strand). Cytogenetic location: 3p22.1.
Variant type: single nucleotide variant.
Coding change: c.1461T>C on transcript NM_001904.4 (MANE Select); coding-DNA position 1461, T replaced by C.
Protein change: p.Leu487=; no amino-acid change (leucine 487 retained).
Molecular consequence: synonymous variant.
Genome position (GRCh38, 1-based): chr3:41,233,804, T>C. VCF-style: chr3-41233804-T-C. GRCh37 (hg19) VCF-style: chr3-41275295-T-C.
Other names: c.1461T>C, p.Leu487= (NM_001098209.2, NM_001098210.2); c.1440T>C, p.Leu480= (NM_001330729.2).
Identifiers: ClinVar variation 1901427 (VCV001901427.28), dbSNP rs1303782621, ClinGen allele CA433345882.

ClinVar aggregate classification (germline): Likely benign. Review status: criteria provided, multiple submitters, no conflicts (2 of 4 stars). 3 submissions from 3 submitters: Likely benign (3). Last evaluated 2026-02-02.

Allele frequency attached by ClinVar (database versions not stated): gnomAD exomes below 0.00001.
gnomAD v4.1: 2 of 1,613,258 alleles (0.00012%); highest among the groups gnomAD compares: Non-Finnish European, 0.00017%; no homozygotes.

Submissions (3):

Labcorp Genetics (formerly Invitae), Labcorp
Classification: Likely benign. Last evaluated: 2026-02-02. Review status: criteria provided, single submitter. Criteria: Invitae Variant Classification Sherloc (09022015). Collection method: clinical testing. Allele origin: germline.

Blueprint Genetics
Classification: Likely benign. Last evaluated: 2024-07-10. Review status: criteria provided, single submitter. Criteria: ACMG Guidelines, 2015. Collection method: clinical testing. Allele origin: germline.

CeGaT Center for Human Genetics Tuebingen
Classification: Likely benign. Last evaluated: 2024-02-01. Review status: criteria provided, single submitter. Criteria: CeGaT Center For Human Genetics Tuebingen Variant Classification Criteria Version 2. Collection method: clinical testing. Allele origin: germline. Affected: yes. Observed: 1 variant allele.
Comment: CTNNB1: BP4, BP7